The following is an entry in ClinVar:

NM_001111125.3(IQSEC2):c.3563C>T (p.Pro1188Leu)

Gene: IQSEC2 (IQ motif and Sec7 domain ArfGEF 2; minus strand). Cytogenetic location: Xp11.22.
Variant type: single nucleotide variant.
Coding change: c.3563C>T on transcript NM_001111125.3 (MANE Select); coding-DNA position 3563, C replaced by T.
Protein change: p.Pro1188Leu; replaces proline 1188 with leucine.
Molecular consequence: missense variant. On other transcripts: 3 prime UTR variant (1).
Genome position (GRCh38, 1-based): chrX:53,235,123, G>A on the plus strand (C>T on the coding strand, the complement: IQSEC2 is on the minus strand). VCF-style: chrX-53235123-G-A. GRCh37 (hg19) VCF-style: chrX-53264305-G-A.
Other names: c.*48C>T (NM_015075.2); short protein forms P1188L.
Identifiers: ClinVar variation 961586 (VCV000961586.10), dbSNP rs1556859319, ClinGen allele CA413142423.

ClinVar aggregate classification (germline): Uncertain significance (1 of 4 stars; one submission).

Conditions:
Intellectual developmental disorder, X-linked 1. Also called: Atkin Flaitz Patil Smith syndrome; MENTAL RETARDATION, X-LINKED 18; MENTAL RETARDATION, X-LINKED 78; Intellectual disability, X-linked 1. Identifiers: Orphanet 777, MedGen C2931498, MONDO:0010656, OMIM 309530.

Allele frequency attached by ClinVar (database versions not stated): gnomAD exomes 0.00001.
gnomAD v4.1: 6 of 1,133,302 alleles (0.00053%); highest among the groups gnomAD compares: South Asian, 0.0019%; no homozygotes.

Submission:

Labcorp Genetics (formerly Invitae), Labcorp
Classification: Uncertain significance for Intellectual developmental disorder, X-linked 1. Last evaluated: 2020-12-26. Review status: criteria provided, single submitter. Criteria: Invitae Variant Classification Sherloc (09022015). Collection method: clinical testing. Allele origin: germline.
Comment: In summary, the available evidence is currently insufficient to determine the role of this variant in disease. Therefore, it has been classified as a Variant of Uncertain Significance. Algorithms developed to predict the effect of missense changes on protein structure and function are either unavailable or do not agree on the potential impact of this missense change (SIFT: "Tolerated"; PolyPhen-2: "Possibly Damaging"; Align-GVGD: "Class C0"). This variant has not been reported in the literature in individuals with IQSEC2-related conditions. This variant is not present in population databases (ExAC no frequency). This sequence change replaces proline with leucine at codon 1188 of the IQSEC2 protein (p.Pro1188Leu). The proline residue is weakly conserved and there is a moderate physicochemical difference between proline and leucine.